The following is an entry in ClinVar:

ClinVar aggregate classification (germline): Likely benign (1 of 4 stars; one submission).

gnomAD v4.1: 1 of 1,598,958 alleles (0.000063%); highest among the groups gnomAD compares: Non-Finnish European, 0.000085%; no homozygotes.

Submission:

CeGaT Center for Human Genetics Tuebingen
Classification: Likely benign. Last evaluated: 2025-01-01. Review status: criteria provided, single submitter. Criteria: CeGaT Center For Human Genetics Tuebingen Variant Classification Criteria Version 2. Collection method: clinical testing. Allele origin: germline. Affected: yes. Observed: 1 variant allele.
Comment: BAZ2B: BP4, BP7

NM_013450.4(BAZ2B):c.6120A>G (p.Glu2040=)

Gene: BAZ2B (bromodomain adjacent to zinc finger domain 2B; minus strand). Cytogenetic location: 2q24.2.
Variant type: single nucleotide variant.
Coding change: c.6120A>G on transcript NM_013450.4 (MANE Select); coding-DNA position 6120, A replaced by G.
Protein change: p.Glu2040=; no amino-acid change (glutamic acid 2040 retained).
Molecular consequence: synonymous variant.
Genome position (GRCh38, 1-based): chr2:159,325,742, T>C on the plus strand (A>G on the coding strand, the complement: BAZ2B is on the minus strand). VCF-style: chr2-159325742-T-C. GRCh37 (hg19) VCF-style: chr2-160182253-T-C.
Other names: c.6012A>G, p.Glu2004= (NM_001289975.1); c.6063A>G, p.Glu2021= (NM_001329857.2); c.6045A>G, p.Glu2015= (NM_001329858.2).
Identifiers: ClinVar variation 3771710 (VCV003771710.13).